The following is an entry in ClinVar:

NM_001754.5(RUNX1):c.1407C>T (p.Ser469=)

Gene: RUNX1 (RUNX family transcription factor 1; minus strand). Cytogenetic location: 21q22.12.
Variant type: single nucleotide variant.
Coding change: c.1407C>T on transcript NM_001754.5 (MANE Select); coding-DNA position 1407, C replaced by T.
Protein change: p.Ser469=; no amino-acid change (serine 469 retained).
Molecular consequence: synonymous variant.
Genome position (GRCh38, 1-based): chr21:34,792,171, G>A on the plus strand (C>T on the coding strand, the complement: RUNX1 is on the minus strand). VCF-style: chr21-34792171-G-A. GRCh37 (hg19) VCF-style: chr21-36164468-G-A.
Other names: NM_001754.5(RUNX1):c.1407C>T; p.Ser469=; c.1326C>T, p.Ser442= (NM_001001890.3).
Identifiers: ClinVar variation 1622159 (VCV001622159.10), dbSNP rs1001293281, ClinGen allele CA320251215.

ClinVar aggregate classification (germline): Likely benign. Review status: reviewed by expert panel (3 of 4 stars). 2 submissions from 2 submitters: Likely benign (1). 1 of the submissions does not count toward it. Last evaluated 2024-09-10.

Conditions:
Hereditary thrombocytopenia and hematological cancer predisposition syndrome associated with RUNX1. Also called: Familial Platelet Disorder with Propensity to Acute Myelogenous Leukemia; Familial thrombocytopenia with propensity to acute myelogenous leukemia; PLATELET DISORDER, ASPIRIN-LIKE; RUNX1 Familial Platelet Disorder with Associated Myeloid Malignancies. Identifiers: Orphanet 71290, MedGen C1832388, MeSH C563324, MONDO:0100083, OMIM 601399.
Hereditary thrombocytopenia and hematologic cancer predisposition syndrome. Identifiers: Orphanet 71290, MedGen CN281654, MONDO:0011071.

Allele frequency attached by ClinVar (database versions not stated): TOPMed below 0.00001; gnomAD exomes 0.00001 and 0.00002.
gnomAD v4.1: 4 of 1,524,518 alleles (0.00026%); highest among the groups gnomAD compares: Admixed American, 0.004%; no homozygotes.

Submissions (2):

ClinGen Myeloid Malignancy Variant Curation Expert Panel
Classification: Likely benign for Hereditary thrombocytopenia and hematologic cancer predisposition syndrome. Last evaluated: 2024-09-10. Review status: reviewed by expert panel. Criteria: ClinGen MyeloMalig ACMG Specifications v2. Collection method: curation. Allele origin: germline. Inheritance: Autosomal dominant inheritance.
Comment: NM_001754.5(RUNX1):c.1407C>T (p.Ser469=) is a synonymous variant which has a SpliceAI score ≤ 0.20 (0.0) (BP4). This variant has a SpliceAI score ≤ 0.20 (0.0) and evolutionary conservation algorithms predict the site as not being conserved (PhyloP score ≤ 2.0 (-1.25)) (BP7). In summary, this variant meets criteria to be classified as likely benign. ACMG/AMP criteria applied, as specified by the Myeloid Malignancy Variant Curation Expert Panel for RUNX1: BP4, BP7.

Labcorp Genetics (formerly Invitae), Labcorp
Classification: Likely benign for Hereditary thrombocytopenia and hematological cancer predisposition syndrome associated with RUNX1. Last evaluated: 2024-06-25. Review status: criteria provided, single submitter. Criteria: Invitae Variant Classification Sherloc (09022015). Collection method: clinical testing. Allele origin: germline. Not counted in ClinVar's aggregate classification.